The following is an entry in ClinVar:

ClinVar aggregate classification (germline): Uncertain significance (1 of 4 stars; one submission).

Conditions:
Glycogen storage disease type III (GSD3). Also called: FORBES DISEASE; Cori disease. Identifiers: Orphanet 366, MedGen C0017922, MONDO:0009291, OMIM 232400.

Allele frequency attached by ClinVar (database versions not stated): gnomAD exomes below 0.00001; ExAC 0.00001.
gnomAD v4.1: 2 of 1,609,846 alleles (0.00012%); highest among the groups gnomAD compares: East Asian, 0.0022%; no homozygotes.

Submission:

Labcorp Genetics (formerly Invitae), Labcorp
Classification: Uncertain significance for Glycogen storage disease type III. Last evaluated: 2022-03-14. Review status: criteria provided, single submitter. Criteria: Invitae Variant Classification Sherloc (09022015). Collection method: clinical testing. Allele origin: germline.
Comment: In summary, the available evidence is currently insufficient to determine the role of this variant in disease. Therefore, it has been classified as a Variant of Uncertain Significance. Algorithms developed to predict the effect of missense changes on protein structure and function (SIFT, PolyPhen-2, Align-GVGD) all suggest that this variant is likely to be tolerated. This variant has not been reported in the literature in individuals affected with AGL-related conditions. This variant is present in population databases (rs751125182, gnomAD 0.006%). This sequence change replaces glutamic acid, which is acidic and polar, with lysine, which is basic and polar, at codon 1244 of the AGL protein (p.Glu1244Lys).

NM_000642.3(AGL):c.3730G>A (p.Glu1244Lys)

Gene: AGL (amylo-alpha-1,6-glucosidase and 4-alpha-glucanotransferase; plus strand). Cytogenetic location: 1p21.2.
Variant type: single nucleotide variant.
Coding change: c.3730G>A on transcript NM_000642.3 (MANE Select); coding-DNA position 3730, G replaced by A.
Protein change: p.Glu1244Lys; replaces glutamic acid 1244 with lysine.
Molecular consequence: missense variant.
Genome position (GRCh38, 1-based): chr1:99,910,741, G>A. VCF-style: chr1-99910741-G-A. GRCh37 (hg19) VCF-style: chr1-100376297-G-A.
Other names: c.3730G>A, p.Glu1244Lys (NM_000028.3, NM_000643.3, NM_000644.3 and 1 more transcripts); c.3682G>A, p.Glu1228Lys (NM_000646.3); c.3709G>A, p.Glu1237Lys (NM_001425326.1); c.3529G>A, p.Glu1177Lys (NM_001425327.1); c.3526G>A, p.Glu1176Lys (NM_001425328.1); c.3391G>A, p.Glu1131Lys (NM_001425329.1); c.3352G>A, p.Glu1118Lys (NM_001425332.1); short protein forms E1244K, E1228K, E1118K, E1131K, E1176K, E1177K, E1237K.
Identifiers: ClinVar variation 2160008 (VCV002160008.4), dbSNP rs751125182, ClinGen allele CA967203.